The following is an entry in ClinVar:

NM_024642.5(GALNT12):c.23G>C (p.Arg8Pro)

Gene: GALNT12 (polypeptide N-acetylgalactosaminyltransferase 12; plus strand). Cytogenetic location: 9q22.33.
Variant type: single nucleotide variant.
Coding change: c.23G>C on transcript NM_024642.5 (MANE Select); coding-DNA position 23, G replaced by C.
Protein change: p.Arg8Pro; replaces arginine 8 with proline.
Molecular consequence: missense variant.
Genome position (GRCh38, 1-based): chr9:98,807,721, G>C. VCF-style: chr9-98807721-G-C. GRCh37 (hg19) VCF-style: chr9-101570003-G-C.
Other names: short protein forms R8P.
Identifiers: ClinVar variation 1790717 (VCV001790717.10), dbSNP rs1313526292, ClinGen allele CA374222037.
Genomic context (GRCh38, chr9:98,807,721, plus strand): 5'-TTGGGGCGCGCAGATCGCTGGCTGCAGTTGGCGGGCGCATGTGGGGGCGCACGGCGCGGC[G>C]GCGCTGCCCGCGGGAACTGCGGCGCGGCCGGGAGGCGCTGTTGGTGCTCCTGGCGCTACT-3'
Protein context (NP_078918.3, residues 1-18): MWGRTAR[Arg8Pro]RCPRELRRGR

ClinVar aggregate classification (germline): Uncertain significance. Review status: criteria provided, multiple submitters, no conflicts (2 of 4 stars). 3 submissions from 3 submitters: Uncertain significance (3). Last evaluated 2025-12-03.

Conditions:
Colorectal cancer, susceptibility to, 1. Also called: COLORECTAL ADENOMA AND CANCER, SUSCEPTIBILITY TO; COLORECTAL CANCER, SUSCEPTIBILITY TO, ON CHROMOSOME 9. Identifiers: MedGen C1837315, MONDO:0012132, OMIM 608812.

Allele frequency attached by ClinVar (database versions not stated): gnomAD exomes below 0.00001; gnomAD 0.00002; TOPMed 0.00002.
gnomAD v4.1: 4 of 1,177,644 alleles (0.00034%); highest among the groups gnomAD compares: African/African-American, 0.0065%; no homozygotes.

Submissions (3):

Ambry Genetics
Classification: Uncertain significance. Last evaluated: 2025-12-03. Review status: criteria provided, single submitter. Criteria: Ambry Variant Classification Scheme 2023. Collection method: clinical testing. Allele origin: germline.

Labcorp Genetics (formerly Invitae), Labcorp
Classification: Uncertain significance. Last evaluated: 2024-04-29. Review status: criteria provided, single submitter. Criteria: Invitae Variant Classification Sherloc (09022015). Collection method: clinical testing. Allele origin: germline.
Comment: This sequence change replaces arginine, which is basic and polar, with proline, which is neutral and non-polar, at codon 8 of the GALNT12 protein (p.Arg8Pro). This variant is present in population databases (no rsID available, gnomAD 0.02%). This variant has not been reported in the literature in individuals affected with GALNT12-related conditions. ClinVar contains an entry for this variant (Variation ID: 1790717). Experimental studies and prediction algorithms are not available or were not evaluated, and the functional significance of this variant is currently unknown. In summary, the available evidence is currently insufficient to determine the role of this variant in disease. Therefore, it has been classified as a Variant of Uncertain Significance.

Baylor Genetics
Classification: Uncertain significance for Colorectal cancer, susceptibility to, 1. Last evaluated: 2023-05-12. Review status: criteria provided, single submitter. Criteria: ACMG Guidelines, 2015. Collection method: clinical testing. Allele origin: unknown.